The following is an entry in ClinVar:

ClinVar aggregate classification (germline): Likely benign. Review status: criteria provided, multiple submitters, no conflicts (2 of 4 stars). 2 submissions from 2 submitters: Likely benign (2). Last evaluated 2024-04-01.

gnomAD v4.1: 1 of 1,587,716 alleles (0.000063%); no homozygotes.

Submissions (2):

CeGaT Center for Human Genetics Tuebingen
Classification: Likely benign. Last evaluated: 2024-04-01. Review status: criteria provided, single submitter. Criteria: CeGaT Center For Human Genetics Tuebingen Variant Classification Criteria Version 2. Collection method: clinical testing. Allele origin: germline. Affected: yes. Observed: 1 variant allele.
Comment: TTN: PM2:Supporting, BP4, BP7

Laboratory for Molecular Medicine, Mass General Brigham Personalized Medicine
Classification: Likely benign. Last evaluated: 2012-04-03. Review status: criteria provided, single submitter. Criteria: LMM Criteria. Collection method: clinical testing. Allele origin: germline. Observed: 1 variant allele.
Comment: Val16325Val in exon 240 of TTN: This variant is not expected to have clinical si gnificance because it does not alter an amino acid residue and it is not located within the splice consensus sequence. Val16325Val in exon 240 of TTN (allele f requency = n/a)

NM_001267550.2(TTN):c.56679T>C (p.Val18893=)

Genes: TTN (titin; minus strand), TTN-AS1 (TTN antisense RNA 1; plus strand). Cytogenetic location: 2q31.2.
Variant type: single nucleotide variant.
Coding change: c.56679T>C on transcript NM_001267550.2 (MANE Select); coding-DNA position 56679, T replaced by C.
Protein change: p.Val18893=; no amino-acid change (valine 18893 retained).
Molecular consequence: synonymous variant.
Genome position (GRCh38, 1-based): chr2:178,599,031, A>G on the plus strand (T>C on the coding strand, the complement: TTN is on the minus strand). VCF-style: chr2-178599031-A-G. GRCh37 (hg19) VCF-style: chr2-179463758-A-G.
Other names: c.48975T>C, p.Val16325= (NM_133378.4); c.51756T>C, p.Val17252= (NM_001256850.1); c.29484T>C, p.Val9828= (NM_003319.4); c.29859T>C, p.Val9953= (NM_133432.3); c.30060T>C, p.Val10020= (NM_133437.4).
Identifiers: ClinVar variation 47114 (VCV000047114.25), dbSNP rs397517625, ClinGen allele CA140045.